The following is an entry in ClinVar:

ClinVar aggregate classification (germline): Uncertain significance (1 of 4 stars; one submission).

Conditions:
RASopathy. Also called: rasopathies; Noonan spectrum disorder. Identifiers: Orphanet 536391, MedGen C5555857, MONDO:0021060.

Submission:

Labcorp Genetics (formerly Invitae), Labcorp
Classification: Uncertain significance for RASopathy. Last evaluated: 2019-05-31. Review status: criteria provided, single submitter. Criteria: Invitae Variant Classification Sherloc (09022015). Collection method: clinical testing. Allele origin: germline.
Comment: A gross deletion of the genomic region encompassing the full coding sequence of the RAF1 gene has been identified. The boundaries of this event are unknown as the deletion extends beyond the assayed region for this gene and therefore may encompass additional genes. This variant has not been reported in the literature in individuals with RAF1-related conditions. The current clinical and genetic evidence is not sufficient to establish whether loss-of-function variants in RAF1 cause disease. In summary, the available evidence is currently insufficient to determine the role of this variant in disease. Therefore, it has been classified as a Variant of Uncertain Significance.

NC_000003.12:g.(?_12584504)_(12618731_?)del

Gene: RAF1 (Raf-1 proto-oncogene, serine/threonine kinase; minus strand). Cytogenetic location: 3p25.2.
Variant type: Deletion.
Identifiers: ClinVar variation 832929 (VCV000832929.6).